The following is an entry in ClinVar:

NM_000277.3(PAH):c.1336A>G (p.Ser446Gly)

Gene: PAH (phenylalanine hydroxylase; minus strand). Cytogenetic location: 12q23.2.
Variant type: single nucleotide variant.
Coding change: c.1336A>G on transcript NM_000277.3 (MANE Select); coding-DNA position 1336, A replaced by G.
Protein change: p.Ser446Gly; replaces serine 446 with glycine.
Molecular consequence: missense variant.
Genome position (GRCh38, 1-based): chr12:102,839,198, T>C on the plus strand (A>G on the coding strand, the complement: PAH is on the minus strand). VCF-style: chr12-102839198-T-C. GRCh37 (hg19) VCF-style: chr12-103232976-T-C.
Other names: c.1336A>G, p.Ser446Gly (NM_001354304.2); short protein forms S446G.
Identifiers: ClinVar variation 5005024 (VCV005005024.2).

ClinVar aggregate classification (germline): Uncertain significance (1 of 4 stars; one submission).

Conditions:
Phenylketonuria (PKU). Also called: OLIGOPHRENIA PHENYLPYRUVICA; Phenylketonuria (PKU); Phenylketonurias; FOLLING DISEASE. Identifiers: Orphanet 716, MedGen C0031485, MONDO:0009861, OMIM 261600. Disease mechanism: loss of function.

gnomAD v4.1: 11 of 1,613,942 alleles (0.00068%); highest among the groups gnomAD compares: East Asian, 0.016%; no homozygotes.

Submission:

Juno Genomics, Hangzhou Juno Genomics, Inc
Classification: Uncertain significance for Phenylketonuria. Review status: criteria provided, single submitter. Criteria: ACMG Guidelines, 2015. Collection method: clinical testing. Allele origin: germline.
Comment: Absent from controls (or at extremely low frequency if recessive) in Genome Aggregation Database.